The following is an entry in ClinVar:

ClinVar aggregate classification (germline): Conflicting classifications of pathogenicity. Review status: criteria provided, conflicting classifications (1 of 4 stars). 4 submissions from 4 submitters: Likely pathogenic (2); Uncertain significance (2). Last evaluated 2025-05-02.

Conditions:
Familial hypokalemia-hypomagnesemia (GTLMNS). Also called: gitelman syndrome; HYPOMAGNESEMIA-HYPOKALEMIA, PRIMARY RENOTUBULAR, WITH HYPOCALCIURIA; POTASSIUM AND MAGNESIUM DEPLETION. Identifiers: Orphanet 358, MedGen C0268450, MONDO:0009904, OMIM 263800.

Allele frequency attached by ClinVar (database versions not stated): TOPMed 0.00002.
gnomAD v4.1: 50 of 1,612,438 alleles (0.0031%); highest among the groups gnomAD compares: Middle Eastern, 0.05%; no homozygotes.

Submissions (4):

Natera, Inc.
Classification: Likely pathogenic for Gitelman syndrome. Last evaluated: 2025-05-02. Review status: criteria provided, single submitter. Criteria: Natera Variant Classification Schema (03/2026). Collection method: clinical testing. Allele origin: germline.
Comment: The c.404G>A variant in SLC12A3 is a missense variant predicted to cause substitution of arginine to histidine at amino acid 135. This variant is rare in the general population with a frequency below the threshold expected for the associated phenotype(s). This variant has been observed in one or more individuals affected with the associated recessive disease, as either homozygous or compound heterozygous with a second variant (PMID: 21631963). A different variant at the same position has been determined to be Pathogenic or Likely Pathogenic. Computational prediction algorithms indicate this variant is likely to affect gene or protein function. Given the available evidence, this variant is classified as Likely Pathogenic.

Labcorp Genetics (formerly Invitae), Labcorp
Classification: Likely pathogenic. Last evaluated: 2024-03-21. Review status: criteria provided, single submitter. Criteria: Invitae Variant Classification Sherloc (09022015). Collection method: clinical testing. Allele origin: germline.
Comment: This sequence change replaces arginine, which is basic and polar, with histidine, which is basic and polar, at codon 135 of the SLC12A3 protein (p.Arg135His). This variant is present in population databases (rs769047841, gnomAD 0.007%). This missense change has been observed in individual(s) with clinical features of Gitelman syndrome (PMID: 21631963). ClinVar contains an entry for this variant (Variation ID: 632060). Advanced modeling of protein sequence and biophysical properties (such as structural, functional, and spatial information, amino acid conservation, physicochemical variation, residue mobility, and thermodynamic stability) performed at Invitae indicates that this missense variant is expected to disrupt SLC12A3 protein function with a positive predictive value of 95%. This variant disrupts the p.Arg135 amino acid residue in SLC12A3. Other variant(s) that disrupt this residue have been determined to be pathogenic (PMID: 21415153, 31672324). This suggests that this residue is clinically significant, and that variants that disrupt this residue are likely to be disease-causing. In summary, the currently available evidence indicates that the variant is pathogenic, but additional data are needed to prove that conclusively. Therefore, this variant has been classified as Likely Pathogenic.

Fulgent Genetics
Classification: Uncertain significance for Familial hypokalemia-hypomagnesemia. Last evaluated: 2023-12-26. Review status: criteria provided, single submitter. Criteria: ACMG Guidelines, 2015. Collection method: clinical testing. Allele origin: germline.

Breakthrough Genomics
Classification: Uncertain significance. Review status: criteria provided, single submitter. Criteria: ACMG Guidelines, 2015. Collection method: not provided. Allele origin: germline. Inheritance: Autosomal recessive inheritance. Affected: yes.

Literature cited by the submitters: PubMed 21631963 (cited by Natera, Inc. and Labcorp Genetics (formerly Invitae), Labcorp); PubMed 21415153 (cited by Labcorp Genetics (formerly Invitae), Labcorp); PubMed 31672324 (cited by Labcorp Genetics (formerly Invitae), Labcorp).

NM_001126108.2(SLC12A3):c.404G>A (p.Arg135His)

Gene: SLC12A3 (solute carrier family 12 member 3; plus strand). Cytogenetic location: 16q13.
Variant type: single nucleotide variant.
Coding change: c.404G>A on transcript NM_001126108.2 (MANE Select); coding-DNA position 404, G replaced by A.
Protein change: p.Arg135His; replaces arginine 135 with histidine.
Molecular consequence: missense variant.
Genome position (GRCh38, 1-based): chr16:56,867,191, G>A. VCF-style: chr16-56867191-G-A. GRCh37 (hg19) VCF-style: chr16-56901103-G-A.
Other names: c.404G>A, p.Arg135His (NM_000339.3); c.401G>A, p.Arg134His (NM_001126107.2); short protein forms R135H, R134H.
Identifiers: ClinVar variation 632060 (VCV000632060.12), dbSNP rs769047841, ClinGen allele CA8069007.
Genomic context (GRCh38, chr16:56,867,191, plus strand): 5'-ATGGGCTGGTGGAGGGCGAGGCAGGCACCAGCAGCGAGAAGAACCCCGAGGAGCCAGTGC[G>A]CTTCGGCTGGGTCAAGGGGGTGATGGTGAGTGGGGTGTGGGTGGTGCGTGATGTCCAGAA-3'
Protein context (NP_001119580.2, residues 125-145): SSEKNPEEPV[Arg135His]FGWVKGVMIR